The following is an entry in ClinVar:

NM_001378452.1(ITPR1):c.2351G>A (p.Arg784His)

Gene: ITPR1 (inositol 1,4,5-trisphosphate receptor type 1; plus strand). Cytogenetic location: 3p26.1.
Variant type: single nucleotide variant.
Coding change: c.2351G>A on transcript NM_001378452.1 (MANE Select); coding-DNA position 2351, G replaced by A.
Protein change: p.Arg784His; replaces arginine 784 with histidine.
Molecular consequence: missense variant.
Genome position (GRCh38, 1-based): chr3:4,673,282, G>A. VCF-style: chr3-4673282-G-A. GRCh37 (hg19) VCF-style: chr3-4714966-G-A.
Other names: c.2306G>A (NM_002222.6); c.2351G>A, p.Arg784His (NM_001099952.4); c.2306G>A, p.Arg769His (NM_001168272.2, NM_002222.7); short protein forms R769H, R784H.
Identifiers: ClinVar variation 1704869 (VCV001704869.5), dbSNP rs749564517, ClinGen allele CA2231402.

ClinVar aggregate classification (germline): Uncertain significance. Review status: criteria provided, multiple submitters, no conflicts (2 of 4 stars). 2 submissions from 2 submitters: Uncertain significance (2). Last evaluated 2022-11-23.

Allele frequency attached by ClinVar (database versions not stated): ExAC 0.00001; gnomAD exomes 0.00001.
gnomAD v4.1: 12 of 1,613,850 alleles (0.00074%); highest among the groups gnomAD compares: South Asian, 0.0022%; no homozygotes.

Submissions (2):

GeneDx
Classification: Uncertain significance. Last evaluated: 2022-11-23. Review status: criteria provided, single submitter. Criteria: GeneDx Variant Classification Process June 2021. Collection method: clinical testing. Allele origin: germline. Affected: yes.
Comment: In silico analysis supports that this missense variant has a deleterious effect on protein structure/function; Has not been previously published as pathogenic or benign to our knowledge

Revvity Omics, Revvity
Classification: Uncertain significance. Last evaluated: 2020-12-09. Review status: criteria provided, single submitter. Criteria: ACMG Guidelines, 2015. Collection method: clinical testing. Allele origin: germline.